The following is an entry in ClinVar:

NM_020821.3(VPS13C):c.835A>C (p.Lys279Gln)

Gene: VPS13C (vacuolar protein sorting 13 homolog C; minus strand). Cytogenetic location: 15q22.2.
Variant type: single nucleotide variant.
Coding change: c.835A>C on transcript NM_020821.3 (MANE Select); coding-DNA position 835, A replaced by C.
Protein change: p.Lys279Gln; replaces lysine 279 with glutamine.
Molecular consequence: missense variant.
Genome position (GRCh38, 1-based): chr15:62,012,155, T>G on the plus strand (A>C on the coding strand, the complement: VPS13C is on the minus strand). VCF-style: chr15-62012155-T-G. GRCh37 (hg19) VCF-style: chr15-62304354-T-G.
Other names: p.Lys279Gln; c.835A>C, p.Lys279Gln (NM_001018088.3); c.706A>C, p.Lys236Gln (NM_017684.5, NM_018080.4); short protein forms K236Q, K279Q.
Identifiers: ClinVar variation 2683314 (VCV002683314.1), dbSNP rs2548117490, ClinGen allele CA392689376.

ClinVar aggregate classification (germline): Uncertain significance (1 of 4 stars; one submission).

Submission:

Mayo Clinic Laboratories, Mayo Clinic
Classification: Uncertain significance. Last evaluated: 2023-05-01. Review status: criteria provided, single submitter. Criteria: ACMG Guidelines, 2015. Collection method: clinical testing. Allele origin: germline. Observed: 1 variant allele.
Comment: BP4, PM2